The following is an entry in ClinVar:

NM_001851.6(COL9A1):c.583T>C (p.Phe195Leu)

Gene: COL9A1 (collagen type IX alpha 1 chain; minus strand). Cytogenetic location: 6q13.
Variant type: single nucleotide variant.
Coding change: c.583T>C on transcript NM_001851.6 (MANE Select); coding-DNA position 583, T replaced by C.
Protein change: p.Phe195Leu; replaces phenylalanine 195 with leucine.
Molecular consequence: missense variant.
Genome position (GRCh38, 1-based): chr6:70,294,280, A>G on the plus strand (T>C on the coding strand, the complement: COL9A1 is on the minus strand). VCF-style: chr6-70294280-A-G. GRCh37 (hg19) VCF-style: chr6-71003983-A-G.
Other names: c.583T>C, p.Phe195Leu (NM_001377291.1); short protein forms F195L.
Identifiers: ClinVar variation 2574376 (VCV002574376.1), dbSNP rs1473284816, ClinGen allele CA364670865.

ClinVar aggregate classification (germline): Uncertain significance (1 of 4 stars; one submission).

Allele frequency attached by ClinVar (database versions not stated): gnomAD 0.00001; gnomAD exomes 0.00001.
gnomAD v4.1: 10 of 1,613,944 alleles (0.00062%); highest among the groups gnomAD compares: Non-Finnish European, 0.00085%; no homozygotes.

Submission:

GeneDx
Classification: Uncertain significance. Last evaluated: 2023-01-26. Review status: criteria provided, single submitter. Criteria: GeneDx Variant Classification Process June 2021. Collection method: clinical testing. Allele origin: germline. Affected: yes.
Comment: Not observed at significant frequency in large population cohorts (gnomAD); In silico analysis supports that this missense variant has a deleterious effect on protein structure/function; Has not been previously published as pathogenic or benign to our knowledge